The following is an entry in ClinVar:

ClinVar aggregate classification (germline): Uncertain significance (1 of 4 stars; one submission).

Conditions:
Hereditary cancer-predisposing syndrome. Also called: Neoplastic Syndromes, Hereditary; Tumor predisposition; Hereditary Cancer Syndrome; Hereditary neoplastic syndrome. Identifiers: Orphanet 140162, MedGen C0027672, MeSH D009386, MONDO:0015356.

Submission:

Ambry Genetics
Classification: Uncertain significance for Hereditary cancer-predisposing syndrome. Last evaluated: 2025-10-03. Review status: criteria provided, single submitter. Criteria: Ambry Variant Classification Scheme 2023. Collection method: clinical testing. Allele origin: germline.
Comment: The p.E97A variant (also known as c.290A>C), located in coding exon 2 of the BRCA2 gene, results from an A to C substitution at nucleotide position 290. The glutamic acid at codon 97 is replaced by alanine, an amino acid with dissimilar properties. This amino acid position is conserved. In addition, this alteration is predicted to be tolerated by in silico analysis. Based on the available evidence, the clinical significance of this variant remains unclear.

NM_000059.4(BRCA2):c.290A>C (p.Glu97Ala)

Gene: BRCA2 (BRCA2 DNA repair associated; plus strand). Cytogenetic location: 13q13.1.
Variant type: single nucleotide variant.
Coding change: c.290A>C on transcript NM_000059.4 (MANE Select); coding-DNA position 290, A replaced by C.
Protein change: p.Glu97Ala; replaces glutamic acid 97 with alanine.
Molecular consequence: missense variant. On other transcripts: 5 prime UTR variant (1), non-coding transcript variant (1).
Genome position (GRCh38, 1-based): chr13:32,319,299, A>C. VCF-style: chr13-32319299-A-C. GRCh37 (hg19) VCF-style: chr13-32893436-A-C.
Other names: c.290A>C, p.Glu97Ala (NM_001406719.1, NM_001406720.1, NM_001406721.1 and 1 more transcripts); c.-80A>C (NM_001406722.1); short protein forms E97A.
Identifiers: ClinVar variation 4628712 (VCV004628712.1).